The following is an entry in ClinVar:

ClinVar aggregate classification (germline): Uncertain significance. Review status: criteria provided, multiple submitters, no conflicts (2 of 4 stars). 2 submissions from 2 submitters: Uncertain significance (2). Last evaluated 2024-04-02.

Conditions:
Bartter disease type 2. Also called: HYPERPROSTAGLANDIN E SYNDROME 2; HYPOKALEMIC ALKALOSIS WITH HYPERCALCIURIA 2, ANTENATAL; Bartter syndrome, type 2, antenatal. Identifiers: Orphanet 112, Orphanet 620220, MedGen C1855849, MONDO:0009424, OMIM 241200.

Allele frequency attached by ClinVar (database versions not stated): ExAC 0.00006; gnomAD 0.00007; TOPMed 0.00008; gnomAD exomes 0.00012.

Submissions (2):

Fulgent Genetics
Classification: Uncertain significance for Bartter disease type 2. Last evaluated: 2024-04-02. Review status: criteria provided, single submitter. Criteria: ACMG Guidelines, 2015. Collection method: clinical testing. Allele origin: germline.

Labcorp Genetics (formerly Invitae), Labcorp
Classification: Uncertain significance. Last evaluated: 2022-02-04. Review status: criteria provided, single submitter. Criteria: Invitae Variant Classification Sherloc (09022015). Collection method: clinical testing. Allele origin: germline.
Comment: This sequence change replaces proline, which is neutral and non-polar, with serine, which is neutral and polar, at codon 185 of the KCNJ1 protein (p.Pro185Ser). This variant is present in population databases (rs200154950, gnomAD 0.01%). This variant has not been reported in the literature in individuals affected with KCNJ1-related conditions. This variant is also known as p.P166S. Algorithms developed to predict the effect of missense changes on protein structure and function output the following: SIFT: "Tolerated"; PolyPhen-2: "Benign"; Align-GVGD: "Class C0". The serine amino acid residue is found in multiple mammalian species, which suggests that this missense change does not adversely affect protein function. Experimental studies have shown that this missense change affects KCNJ1 function (PMID: 20926634). In summary, the available evidence is currently insufficient to determine the role of this variant in disease. Therefore, it has been classified as a Variant of Uncertain Significance.

Literature cited by the submitters: PubMed 20926634 (cited by Labcorp Genetics (formerly Invitae), Labcorp).

NM_153766.3(KCNJ1):c.496C>T (p.Pro166Ser)

Gene: KCNJ1 (potassium inwardly rectifying channel subfamily J member 1; minus strand). Cytogenetic location: 11q24.3.
Variant type: single nucleotide variant.
Coding change: c.496C>T on transcript NM_153766.3 (MANE Select); coding-DNA position 496, C replaced by T.
Protein change: p.Pro166Ser; replaces proline 166 with serine.
Molecular consequence: missense variant.
Genome position (GRCh38, 1-based): chr11:128,839,748, G>A on the plus strand (C>T on the coding strand, the complement: KCNJ1 is on the minus strand). VCF-style: chr11-128839748-G-A. GRCh37 (hg19) VCF-style: chr11-128709643-G-A.
Other names: c.553C>T, p.Pro185Ser (NM_000220.6); c.496C>T, p.Pro166Ser (NM_153764.3, NM_153767.4); c.547C>T, p.Pro183Ser (NM_153765.3); short protein forms P183S, P166S, P185S.
Identifiers: ClinVar variation 2137281 (VCV002137281.2), dbSNP rs200154950, ClinGen allele CA6357511.